The following is an entry in ClinVar:

ClinVar aggregate classification (germline): Uncertain significance (1 of 4 stars; one submission).

Conditions:
Giant axonal neuropathy 1 (GAN1). Also called: GIANT AXONAL NEUROPATHY 1, AUTOSOMAL RECESSIVE; GAN-Related Neurodegeneration. Identifiers: Orphanet 643, MedGen C1850386, MONDO:0009749, OMIM 256850.

Allele frequency attached by ClinVar (database versions not stated): 1000 Genomes Project 30x 0.00016; 1000 Genomes Project 0.00020.

Submission:

Labcorp Genetics (formerly Invitae), Labcorp
Classification: Uncertain significance for Giant axonal neuropathy 1. Last evaluated: 2021-12-30. Review status: criteria provided, single submitter. Criteria: Invitae Variant Classification Sherloc (09022015). Collection method: clinical testing. Allele origin: germline.
Comment: This sequence change replaces proline, which is neutral and non-polar, with arginine, which is basic and polar, at codon 315 of the GAN protein (p.Pro315Arg). This variant is present in population databases (rs144486241, gnomAD 0.003%). This variant has not been reported in the literature in individuals affected with GAN-related conditions. Algorithms developed to predict the effect of missense changes on protein structure and function (SIFT, PolyPhen-2, Align-GVGD) all suggest that this variant is likely to be tolerated. In summary, the available evidence is currently insufficient to determine the role of this variant in disease. Therefore, it has been classified as a Variant of Uncertain Significance.

NM_022041.4(GAN):c.944C>G (p.Pro315Arg)

Gene: GAN (gigaxonin; plus strand). Cytogenetic location: 16q23.2.
Variant type: single nucleotide variant.
Coding change: c.944C>G on transcript NM_022041.4 (MANE Select); coding-DNA position 944, C replaced by G.
Protein change: p.Pro315Arg; replaces proline 315 with arginine.
Molecular consequence: missense variant.
Genome position (GRCh38, 1-based): chr16:81,357,902, C>G. VCF-style: chr16-81357902-C-G. GRCh37 (hg19) VCF-style: chr16-81391507-C-G.
Other names: c.305C>G, p.Pro102Arg (NM_001377486.1); short protein forms P315R, P102R.
Identifiers: ClinVar variation 2140585 (VCV002140585.1), dbSNP rs144486241, ClinGen allele CA8191541.